The following is an entry in ClinVar:

NM_052947.4(ALPK2):c.3601G>C (p.Gly1201Arg)

Gene: ALPK2 (alpha kinase 2; minus strand). Cytogenetic location: 18q21.31.
Variant type: single nucleotide variant.
Coding change: c.3601G>C on transcript NM_052947.4 (MANE Select); coding-DNA position 3601, G replaced by C.
Protein change: p.Gly1201Arg; replaces glycine 1201 with arginine.
Molecular consequence: missense variant.
Genome position (GRCh38, 1-based): chr18:58,536,586, C>G on the plus strand (G>C on the coding strand, the complement: ALPK2 is on the minus strand). VCF-style: chr18-58536586-C-G. GRCh37 (hg19) VCF-style: chr18-56203818-C-G.
Other names: short protein forms G1201R.
Identifiers: ClinVar variation 3532149 (VCV003532149.1).

ClinVar aggregate classification (germline): Uncertain significance (1 of 4 stars; one submission).

gnomAD v4.1: 1 of 1,614,154 alleles (0.000062%); highest among the groups gnomAD compares: South Asian, 0.0011%; no homozygotes.

Submission:

Ambry Genetics
Classification: Uncertain significance. Last evaluated: 2024-11-17. Review status: criteria provided, single submitter. Criteria: Ambry Variant Classification Scheme 2023. Collection method: clinical testing. Allele origin: germline.
Comment: The p.G1201R variant (also known as c.3601G>C), located in coding exon 4 of the ALPK2 gene, results from a G to C substitution at nucleotide position 3601. The glycine at codon 1201 is replaced by arginine, an amino acid with dissimilar properties. This amino acid position is conserved. In addition, this alteration is predicted to be tolerated by in silico analysis. Based on the available evidence, the clinical significance of this variant remains unclear.